The following is an entry in ClinVar:

ClinVar aggregate classification (germline): Uncertain significance (1 of 4 stars; one submission).

Conditions:
Brachyolmia-amelogenesis imperfecta syndrome. Also called: Tooth agenesis, selective, 6; Dental anomalies and short stature; PLATYSPONDYLY WITH AMELOGENESIS IMPERFECTA. Identifiers: Orphanet 2899, MedGen C1832594, MONDO:0011018, OMIM 601216. Disease mechanism: loss of function.

gnomAD v4.1: 2 of 1,611,414 alleles (0.00012%); highest among the groups gnomAD compares: Non-Finnish European, 0.00017%; no homozygotes.

Submission:

Labcorp Genetics (formerly Invitae), Labcorp
Classification: Uncertain significance for Brachyolmia-amelogenesis imperfecta syndrome. Last evaluated: 2024-10-11. Review status: criteria provided, single submitter. Criteria: Invitae Variant Classification Sherloc (09022015). Collection method: clinical testing. Allele origin: germline.
Comment: This sequence change affects codon 142 of the LTBP3 mRNA. It is a 'silent' change, meaning that it does not change the encoded amino acid sequence of the LTBP3 protein. This variant is not present in population databases (gnomAD no frequency). This variant has not been reported in the literature in individuals affected with LTBP3-related conditions. Algorithms developed to predict the effect of sequence changes on RNA splicing suggest that this variant may create or strengthen a splice site. In summary, the available evidence is currently insufficient to determine the role of this variant in disease. Therefore, it has been classified as a Variant of Uncertain Significance.

NM_001130144.3(LTBP3):c.426G>A (p.Val142=)

Gene: LTBP3 (latent transforming growth factor beta binding protein 3; minus strand). Cytogenetic location: 11q13.1.
Variant type: single nucleotide variant.
Coding change: c.426G>A on transcript NM_001130144.3 (MANE Select); coding-DNA position 426, G replaced by A.
Protein change: p.Val142=; no amino-acid change (valine 142 retained).
Molecular consequence: synonymous variant.
Genome position (GRCh38, 1-based): chr11:65,554,286, C>T on the plus strand (G>A on the coding strand, the complement: LTBP3 is on the minus strand). VCF-style: chr11-65554286-C-T. GRCh37 (hg19) VCF-style: chr11-65321757-C-T.
Other names: c.75G>A, p.Val25= (NM_001164266.1); c.426G>A, p.Val142= (NM_021070.4).
Identifiers: ClinVar variation 3612235 (VCV003612235.2).